The following is an entry in ClinVar:

NM_005716.4(GIPC1):c.69C>T (p.Gly23=)

Gene: GIPC1 (GIPC PDZ domain containing family member 1; minus strand). Cytogenetic location: 19p13.12.
Variant type: single nucleotide variant.
Coding change: c.69C>T on transcript NM_005716.4 (MANE Select); coding-DNA position 69, C replaced by T.
Protein change: p.Gly23=; no amino-acid change (glycine 23 retained).
Molecular consequence: synonymous variant. On other transcripts: intron variant (2).
Genome position (GRCh38, 1-based): chr19:14,482,908, G>A on the plus strand (C>T on the coding strand, the complement: GIPC1 is on the minus strand). VCF-style: chr19-14482908-G-A. GRCh37 (hg19) VCF-style: chr19-14593720-G-A.
Other names: c.69C>T, p.Gly23= (NM_202468.3, NM_202470.3); c.-3-2130C>T (NM_202494.3, NM_202469.3).
Identifiers: ClinVar variation 2649424 (VCV002649424.24), dbSNP rs192899612, ClinGen allele CA9254307.

ClinVar aggregate classification (germline): Likely benign (1 of 4 stars; one submission).

Allele frequency attached by ClinVar (database versions not stated): 1000 Genomes Project 0.00160; 1000 Genomes Project 30x 0.00187; ESP Exome Variant Server 0.00469; TOPMed 0.00476; gnomAD 0.00591; gnomAD exomes 0.00735; ExAC 0.01103.

Submission:

CeGaT Center for Human Genetics Tuebingen
Classification: Likely benign. Last evaluated: 2023-03-01. Review status: criteria provided, single submitter. Criteria: CeGaT Center For Human Genetics Tuebingen Variant Classification Criteria Version 2. Collection method: clinical testing. Allele origin: germline. Affected: yes. Observed: 1 variant allele.
Comment: GIPC1: PP3, BS2